The following is an entry in ClinVar:

NM_001098.3(ACO2):c.714C>T (p.Leu238=)

Gene: ACO2 (aconitase 2; plus strand). Cytogenetic location: 22q13.2.
Variant type: single nucleotide variant.
Coding change: c.714C>T on transcript NM_001098.3 (MANE Select); coding-DNA position 714, C replaced by T.
Protein change: p.Leu238=; no amino-acid change (leucine 238 retained).
Molecular consequence: synonymous variant.
Genome position (GRCh38, 1-based): chr22:41,515,796, C>T. VCF-style: chr22-41515796-C-T. GRCh37 (hg19) VCF-style: chr22-41911800-C-T.
Identifiers: ClinVar variation 385402 (VCV000385402.40), dbSNP rs145011805, ClinGen allele CA10257434.
Genomic context (GRCh38, chr22:41,515,796, plus strand): 5'-TCTCACAGCCGCCTCGCCCCCTCCTGTCCAGGTGATTGGCGTGAAGCTGACGGGCTCTCT[C>T]TCCGGTTGGTCCTCACCCAAAGATGTGATCCTGAAGGTGGCAGGCATCCTCACGGTGAAA-3'
Protein context (NP_001089.1, residues 228-248): KVIGVKLTGS[Leu238=]SGWSSPKDVI

ClinVar aggregate classification (germline): Likely benign. Review status: criteria provided, multiple submitters, no conflicts (2 of 4 stars). 5 submissions from 5 submitters: Likely benign (5). Last evaluated 2026-09-22.

Conditions:
ACO2-related disorder. Also called: ACO2-Related Disorders.

Allele frequency attached by ClinVar (database versions not stated): gnomAD exomes 0.00008; gnomAD 0.00019; ESP Exome Variant Server 0.00031; TOPMed 0.00032; ExAC 0.00008.
gnomAD v4.1: 58 of 1,613,930 alleles (0.0036%); highest among the groups gnomAD compares: African/African-American, 0.041%; no homozygotes.

Submissions (5):

PreventionGenetics, part of Exact Sciences
Classification: Likely benign for ACO2-related condition. Last evaluated: 2026-09-22. Review status: criteria provided, single submitter. Criteria: ACMG Guidelines, 2015. Collection method: clinical testing. Allele origin: germline.
Comment: This variant is classified as likely benign based on ACMG/AMP sequence variant interpretation guidelines (Richards et al. 2015 PMID: 25741868, with internal and published modifications).

Labcorp Genetics (formerly Invitae), Labcorp
Classification: Likely benign. Last evaluated: 2025-08-17. Review status: criteria provided, single submitter. Criteria: Invitae Variant Classification Sherloc (09022015). Collection method: clinical testing. Allele origin: germline.

Blueprint Genetics
Classification: Likely benign. Last evaluated: 2024-11-20. Review status: criteria provided, single submitter. Criteria: ACMG Guidelines, 2015. Collection method: clinical testing. Allele origin: germline.

CeGaT Center for Human Genetics Tuebingen
Classification: Likely benign. Last evaluated: 2022-10-01. Review status: criteria provided, single submitter. Criteria: CeGaT Center For Human Genetics Tuebingen Variant Classification Criteria Version 2. Collection method: clinical testing. Allele origin: germline. Affected: yes. Observed: 1 variant allele.
Comment: ACO2: BP4, BP7

GeneDx
Classification: Likely benign. Last evaluated: 2016-05-05. Review status: criteria provided, single submitter. Criteria: GeneDx Variant Classification (06012015). Collection method: clinical testing. Allele origin: germline. Affected: yes.
Comment: This variant is considered likely benign or benign based on one or more of the following criteria: it is a conservative change, it occurs at a poorly conserved position in the protein, it is predicted to be benign by multiple in silico algorithms, and/or has population frequency not consistent with disease.